The following is an entry in ClinVar:

NM_004750.5(CRLF1):c.211G>A (p.Ala71Thr)

Gene: CRLF1 (cytokine receptor like factor 1; minus strand). Cytogenetic location: 19p13.11.
Variant type: single nucleotide variant.
Coding change: c.211G>A on transcript NM_004750.5 (MANE Select); coding-DNA position 211, G replaced by A.
Protein change: p.Ala71Thr; replaces alanine 71 with threonine.
Molecular consequence: missense variant.
Genome position (GRCh38, 1-based): chr19:18,599,751, C>T on the plus strand (G>A on the coding strand, the complement: CRLF1 is on the minus strand). VCF-style: chr19-18599751-C-T. GRCh37 (hg19) VCF-style: chr19-18710561-C-T.
Other names: short protein forms A71T.
Identifiers: ClinVar variation 2079648 (VCV002079648.4), dbSNP rs370673214, ClinGen allele CA9314312.
Genomic context (GRCh38, chr19:18,599,751, plus strand): 5'-GTACACGGGAGAGCTCAGGGGGCAGGCGGCGCCCGTTGAGGGTCCAGTAGAGGCCCTCGG[C>T]GGTGGCTCCTGGTGGGTCTCCGTGCACTGAGCAGGTGGCCAGCAGGGAGGAGCCGATGAG-3'
Protein context (NP_004741.1, residues 61-81): SVHGDPPGAT[Ala71Thr]EGLYWTLNGR

ClinVar aggregate classification (germline): Uncertain significance (1 of 4 stars; one submission).

Allele frequency attached by ClinVar (database versions not stated): gnomAD exomes 0.00001; ESP Exome Variant Server 0.00008; TOPMed below 0.00001; gnomAD 0.00002; ExAC 0.00003.
gnomAD v4.1: 13 of 1,600,450 alleles (0.00081%); highest among the groups gnomAD compares: Admixed American, 0.0052%; no homozygotes.

Submission:

Labcorp Genetics (formerly Invitae), Labcorp
Classification: Uncertain significance. Last evaluated: 2022-05-11. Review status: criteria provided, single submitter. Criteria: Invitae Variant Classification Sherloc (09022015). Collection method: clinical testing. Allele origin: germline.
Comment: This variant is present in population databases (rs370673214, gnomAD 0.003%). This sequence change replaces alanine, which is neutral and non-polar, with threonine, which is neutral and polar, at codon 71 of the CRLF1 protein (p.Ala71Thr). In summary, the available evidence is currently insufficient to determine the role of this variant in disease. Therefore, it has been classified as a Variant of Uncertain Significance. Algorithms developed to predict the effect of missense changes on protein structure and function are either unavailable or do not agree on the potential impact of this missense change (SIFT: "Deleterious"; PolyPhen-2: "Possibly Damaging"; Align-GVGD: "Class C0"). This variant has not been reported in the literature in individuals affected with CRLF1-related conditions.